The following is an entry in ClinVar:

NM_001029883.3(PCARE):c.3826T>G (p.Ser1276Ala)

Gene: PCARE (photoreceptor cilium actin regulator; minus strand). Cytogenetic location: 2p23.2.
Variant type: single nucleotide variant.
Coding change: c.3826T>G on transcript NM_001029883.3 (MANE Select); coding-DNA position 3826, T replaced by G.
Protein change: p.Ser1276Ala; replaces serine 1276 with alanine.
Molecular consequence: missense variant.
Genome position (GRCh38, 1-based): chr2:29,064,910, A>C on the plus strand (T>G on the coding strand, the complement: PCARE is on the minus strand). VCF-style: chr2-29064910-A-C. GRCh37 (hg19) VCF-style: chr2-29287776-A-C.
Other names: c.3826T>G (NM_001029883.2); short protein forms S1276A.
Identifiers: ClinVar variation 1407779 (VCV001407779.11), dbSNP rs201767517, ClinGen allele CA1591821.

ClinVar aggregate classification (germline): Uncertain significance. Review status: criteria provided, multiple submitters, no conflicts (2 of 4 stars). 3 submissions from 3 submitters: Uncertain significance (3). Last evaluated 2026-05-12.

Conditions:
Retinitis pigmentosa 54 (RP54). Identifiers: Orphanet 791, MedGen C3150691, MONDO:0013263, OMIM 613428.
PCARE-related disorder. Also called: PCARE-related condition.

Allele frequency attached by ClinVar (database versions not stated): ExAC 0.00005; gnomAD 0.00006; gnomAD exomes 0.00006 and 0.00012; TOPMed 0.00006; ESP Exome Variant Server 0.00032.

Submissions (3):

PreventionGenetics, part of Exact Sciences
Classification: Uncertain significance for PCARE-related condition. Last evaluated: 2026-05-12. Review status: criteria provided, single submitter. Criteria: ACMG Guidelines, 2015. Collection method: clinical testing. Allele origin: germline.
Comment: The PCARE c.3826T>G variant is predicted to result in the amino acid substitution p.Ser1276Ala. To our knowledge, this variant has not been reported in the literature. This variant is reported in 0.012% of alleles in individuals of European (Non-Finnish) descent in gnomAD. At this time, the clinical significance of this variant is uncertain due to the absence of conclusive functional and genetic evidence.

Labcorp Genetics (formerly Invitae), Labcorp
Classification: Uncertain significance. Last evaluated: 2025-01-13. Review status: criteria provided, single submitter. Criteria: Invitae Variant Classification Sherloc (09022015). Collection method: clinical testing. Allele origin: germline.
Comment: This sequence change replaces serine, which is neutral and polar, with alanine, which is neutral and non-polar, at codon 1276 of the PCARE protein (p.Ser1276Ala). This variant is present in population databases (rs201767517, gnomAD 0.01%). This variant has not been reported in the literature in individuals affected with PCARE-related conditions. ClinVar contains an entry for this variant (Variation ID: 1407779). An algorithm developed to predict the effect of missense changes on protein structure and function outputs the following: PolyPhen-2: "Benign". The alanine amino acid residue is found in multiple mammalian species, which suggests that this missense change does not adversely affect protein function. In summary, the available evidence is currently insufficient to determine the role of this variant in disease. Therefore, it has been classified as a Variant of Uncertain Significance.

Revvity Omics, Revvity
Classification: Uncertain significance for Retinitis pigmentosa 54. Last evaluated: 2023-12-22. Review status: criteria provided, single submitter. Criteria: ACMG Guidelines, 2015. Collection method: clinical testing. Allele origin: germline.